The following is an entry in ClinVar:

ClinVar aggregate classification (germline): Uncertain significance (1 of 4 stars; one submission).

Submission:

Greenwood Genetic Center Diagnostic Laboratories, Greenwood Genetic Center
Classification: Uncertain significance. Last evaluated: 2024-03-27. Review status: criteria provided, single submitter. Criteria: ACMG Guidelines, 2015. Collection method: clinical testing. Allele origin: germline. Affected: yes.
Comment: PM2, PP2, PP3

NM_017934.7(PHIP):c.1090C>A (p.His364Asn)

Gene: PHIP (PHIP subunit of CUL4-Ring ligase complex; minus strand). Cytogenetic location: 6q14.1.
Variant type: single nucleotide variant.
Coding change: c.1090C>A on transcript NM_017934.7 (MANE Select); coding-DNA position 1090, C replaced by A.
Protein change: p.His364Asn; replaces histidine 364 with asparagine.
Molecular consequence: missense variant.
Genome position (GRCh38, 1-based): chr6:79,017,488, G>T on the plus strand (C>A on the coding strand, the complement: PHIP is on the minus strand). VCF-style: chr6-79017488-G-T. GRCh37 (hg19) VCF-style: chr6-79727205-G-T.
Other names: short protein forms H364N.
Identifiers: ClinVar variation 3235821 (VCV003235821.1), dbSNP rs1770887737, ClinGen allele CA364635837.